The following is an entry in ClinVar:

ClinVar aggregate classification (germline): Uncertain significance (1 of 4 stars; one submission).

Submission:

GeneDx
Classification: Uncertain significance. Last evaluated: 2025-08-15. Review status: criteria provided, single submitter. Criteria: GeneDx Variant Classification Process June 2021. Collection method: clinical testing. Allele origin: germline. Affected: yes.
Comment: Not observed at significant frequency in large population cohorts (gnomAD); In silico analysis supports that this missense variant has a deleterious effect on protein structure/function; Has not been previously published as pathogenic or benign to our knowledge

NM_001257293.2(HNRNPH1):c.1021G>A (p.Ala341Thr)

Genes: HNRNPH1 (heterogeneous nuclear ribonucleoprotein H1; minus strand), LOC128966623 (uncharacterized LOC128966623; plus strand). Cytogenetic location: 5q35.3.
Variant type: single nucleotide variant.
Coding change: c.1021G>A on transcript NM_001257293.2 (MANE Select); coding-DNA position 1021, G replaced by A.
Protein change: p.Ala341Thr; replaces alanine 341 with threonine.
Molecular consequence: missense variant.
Genome position (GRCh38, 1-based): chr5:179,617,550, C>T on the plus strand (G>A on the coding strand, the complement: HNRNPH1 is on the minus strand). VCF-style: chr5-179617550-C-T. GRCh37 (hg19) VCF-style: chr5-179044551-C-T.
Other names: c.1021G>A, p.Ala341Thr (NM_001363572.2, NM_001364225.2, NM_001364226.2 and 27 more transcripts); c.1000G>A, p.Ala334Thr (NM_001364240.2, NM_001364241.2, NM_001364242.2 and 6 more transcripts); c.418G>A, p.Ala140Thr (NM_001395194.1, NM_001395195.1, NM_001364251.2 and 4 more transcripts); c.790G>A, p.Ala264Thr (NM_001395190.1); c.703G>A, p.Ala235Thr (NM_001395191.1, NM_001395192.1); c.610G>A, p.Ala204Thr (NM_001395193.1); c.865G>A, p.Ala289Thr (NM_001364250.2); short protein forms A140T, A289T, A334T, A204T, A235T, A341T, A264T.
Identifiers: ClinVar variation 4795336 (VCV004795336.1).